The following is an entry in ClinVar:

NM_015028.4(TNIK):c.2741G>A (p.Arg914Gln)

Gene: TNIK (TRAF2 and NCK interacting kinase; minus strand). Cytogenetic location: 3q26.2.
Variant type: single nucleotide variant.
Coding change: c.2741G>A on transcript NM_015028.4 (MANE Select); coding-DNA position 2741, G replaced by A.
Protein change: p.Arg914Gln; replaces arginine 914 with glutamine.
Molecular consequence: missense variant.
Genome position (GRCh38, 1-based): chr3:171,087,487, C>T on the plus strand (G>A on the coding strand, the complement: TNIK is on the minus strand). VCF-style: chr3-171087487-C-T. GRCh37 (hg19) VCF-style: chr3-170805276-C-T.
Other names: c.2717G>A, p.Arg906Gln (NM_001161560.3); c.2654G>A, p.Arg885Gln (NM_001161561.3); c.2630G>A, p.Arg877Gln (NM_001161562.3); c.2576G>A, p.Arg859Gln (NM_001161563.3); c.2552G>A, p.Arg851Gln (NM_001161564.3); c.2489G>A, p.Arg830Gln (NM_001161565.3); c.2465G>A, p.Arg822Gln (NM_001161566.3); short protein forms R830Q, R877Q, R906Q, R914Q, R851Q, R822Q, R859Q, R885Q.
Identifiers: ClinVar variation 3180358 (VCV003180358.3), dbSNP rs762006959, ClinGen allele CA2703097.

ClinVar aggregate classification (germline): Uncertain significance. Review status: criteria provided, multiple submitters, no conflicts (2 of 4 stars). 2 submissions from 2 submitters: Uncertain significance (2). Last evaluated 2025-10-26.

Conditions:
Intellectual developmental disorder, autosomal recessive 54. Also called: Intellectual disability, autosomal recessive 54. Identifiers: Orphanet 88616, MedGen C4310755, MONDO:0014876, OMIM 617028.

Allele frequency attached by ClinVar (database versions not stated): gnomAD exomes 0.00002; gnomAD 0.00003; TOPMed 0.00004; ExAC 0.00006.
gnomAD v4.1: 35 of 1,613,634 alleles (0.0022%); highest among the groups gnomAD compares: Admixed American, 0.047%; no homozygotes.

Submissions (2):

Dasa
Classification: Uncertain significance for Intellectual developmental disorder, autosomal recessive 54. Last evaluated: 2025-10-26. Review status: criteria provided, single submitter. Criteria: DASA Assertion Criteria. Collection method: clinical testing. Allele origin: germline.
Comment: NM_015028.4(TNIK):c.2741G>A (p.Arg914Gln) is a missense variant that results in the substitution of arginine with glutamine. This variant is rare in population databases. The currently available literature and clinical evidence are not sufficient to establish a definitive association between this variant and the reported condition. Therefore, this variant is classified as a variant of uncertain significance.

Ambry Genetics
Classification: Uncertain significance. Last evaluated: 2023-12-14. Review status: criteria provided, single submitter. Criteria: Ambry Variant Classification Scheme 2023. Collection method: clinical testing. Allele origin: germline.